The following is an entry in ClinVar:

ClinVar aggregate classification (germline): Conflicting classifications of pathogenicity. Review status: criteria provided, conflicting classifications (1 of 4 stars). 2 submissions from 2 submitters: Uncertain significance (1); Likely benign (1). Last evaluated 2018-03-29.

Conditions:
Dilated cardiomyopathy 1G (CMD1G). Identifiers: Orphanet 154, MedGen C1858763, MONDO:0011400, OMIM 604145.
Autosomal recessive limb-girdle muscular dystrophy type 2J (LGMDR10). Also called: Limb-girdle muscular dystrophy, type 2J; MUSCULAR DYSTROPHY, LIMB-GIRDLE, AUTOSOMAL RECESSIVE 10. Identifiers: Orphanet 140922, MedGen C1837342, MONDO:0012127, OMIM 608807.

Allele frequency attached by ClinVar (database versions not stated): TOPMed 0.00001; gnomAD 0.00002.
gnomAD v4.1: 3 of 1,595,850 alleles (0.00019%); highest among the groups gnomAD compares: African/African-American, 0.004%; no homozygotes.

Submissions (2):

GeneDx
Classification: Likely benign. Last evaluated: 2018-03-29. Review status: criteria provided, single submitter. Criteria: GeneDx Variant Classification (06012015). Collection method: clinical testing. Allele origin: germline. Affected: yes.
Comment: This variant is considered likely benign or benign based on one or more of the following criteria: it is a conservative change, it occurs at a poorly conserved position in the protein, it is predicted to be benign by multiple in silico algorithms, and/or has population frequency not consistent with disease.

Labcorp Genetics (formerly Invitae), Labcorp
Classification: Uncertain significance for Dilated cardiomyopathy 1G; Autosomal recessive limb-girdle muscular dystrophy type 2J. Last evaluated: 2016-12-24. Review status: criteria provided, single submitter. Criteria: Invitae Variant Classification Sherloc (09022015). Collection method: clinical testing. Allele origin: germline.

NM_001267550.2(TTN):c.56314A>G (p.Thr18772Ala)

Genes: TTN (titin; minus strand), TTN-AS1 (TTN antisense RNA 1; plus strand). Cytogenetic location: 2q31.2.
Variant type: single nucleotide variant.
Coding change: c.56314A>G on transcript NM_001267550.2 (MANE Select); coding-DNA position 56314, A replaced by G.
Protein change: p.Thr18772Ala; replaces threonine 18772 with alanine.
Molecular consequence: missense variant.
Genome position (GRCh38, 1-based): chr2:178,599,587, T>C on the plus strand (A>G on the coding strand, the complement: TTN is on the minus strand). VCF-style: chr2-178599587-T-C. GRCh37 (hg19) VCF-style: chr2-179464314-T-C.
Other names: c.51391A>G, p.Thr17131Ala (NM_001256850.1); c.29119A>G, p.Thr9707Ala (NM_003319.4); c.48610A>G, p.Thr16204Ala (NM_133378.4); c.29494A>G, p.Thr9832Ala (NM_133432.3); c.29695A>G, p.Thr9899Ala (NM_133437.4); short protein forms T18772A, T16204A, T17131A, T9707A, T9832A, T9899A.
Identifiers: ClinVar variation 404851 (VCV000404851.4), dbSNP rs964263107, ClinGen allele CA16610408.
Genomic context (GRCh38, chr2:178,599,587, plus strand): 5'-ATTTTAACCAAACCATGCAGTCTTTACCCAGGACATTCAGTCTCATCTCCTTTGATGCTG[T>C]TCCCAGATTATTTACAGCTGTGATGGTATATAAGCCAGTGTCACTCCTGCGAGACTGCGG-3'
Protein context (NP_001254479.2, residues 18762-18782): YTITAVNNLG[Thr18772Ala]ASKEMRLNVL